The following is an entry in ClinVar:

ClinVar aggregate classification (germline): Uncertain significance (1 of 4 stars; one submission).

Allele frequency attached by ClinVar (database versions not stated): TOPMed below 0.00001; gnomAD 0.00001; gnomAD exomes 0.00001; ExAC 0.00002.
gnomAD v4.1: 8 of 1,609,618 alleles (0.0005%); highest among the groups gnomAD compares: Non-Finnish European, 0.00068%; no homozygotes.

Submission:

GeneDx
Classification: Uncertain significance. Last evaluated: 2022-10-13. Review status: criteria provided, single submitter. Criteria: GeneDx Variant Classification Process June 2021. Collection method: clinical testing. Allele origin: germline. Affected: yes.
Comment: Not observed at significant frequency in large population cohorts (gnomAD); In silico analysis supports that this missense variant does not alter protein structure/function; Has not been previously published as pathogenic or benign to our knowledge

NM_006859.4(LIAS):c.598T>G (p.Leu200Val)

Gene: LIAS (lipoic acid synthetase; plus strand). Cytogenetic location: 4p14.
Variant type: single nucleotide variant.
Coding change: c.598T>G on transcript NM_006859.4 (MANE Select); coding-DNA position 598, T replaced by G.
Protein change: p.Leu200Val; replaces leucine 200 with valine.
Molecular consequence: missense variant. On other transcripts: intron variant (1).
Genome position (GRCh38, 1-based): chr4:39,465,332, T>G. VCF-style: chr4-39465332-T-G. GRCh37 (hg19) VCF-style: chr4-39466952-T-G.
Other names: c.598T>G, p.Leu200Val (NM_001278590.2, NM_194451.3); c.299+1727T>G (NM_001363700.2); short protein forms L200V.
Identifiers: ClinVar variation 2499326 (VCV002499326.1), dbSNP rs749898791, ClinGen allele CA2894714.